The following is an entry in ClinVar:

NM_203446.3(SYNJ1):c.2665_2666del (p.Gln889fs)

Gene: SYNJ1 (synaptojanin 1; minus strand). Cytogenetic location: 21q22.11.
Variant type: Deletion.
Coding change: c.2665_2666del on transcript NM_203446.3 (MANE Select); coding-DNA positions 2665 to 2666, 2 bases deleted (CA; older notation c.2665_2666delCA).
Protein change: p.Gln889fs; shifts the reading frame from glutamine 889.
Molecular consequence: frameshift variant.
Genome position (GRCh38, 1-based): chr21:32,656,816-32,656,817, TG deleted on the plus strand (CA on the coding strand, the reverse complement: SYNJ1 is on the minus strand). VCF-style (leftmost placement, unchanged base first): chr21-32656815-CTG-C. GRCh37 (hg19) VCF-style: chr21-34029125-CTG-C.
Other names: c.2665_2666del, p.Gln889fs (NM_001160302.2); c.2650_2651del, p.Gln884fs (NM_001160306.2); c.2782_2783del, p.Gln928fs (NM_003895.4); short protein forms Q884fs, Q889fs, Q928fs.
Identifiers: ClinVar variation 3755311 (VCV003755311.2).
Genomic context (GRCh38, chr21:32,656,815, plus strand): 5'-AAAATTATTTTCTGGTAAAGAACTTTTGATTGAGACCAATACTGTACCATCTGGTGGACC[CTG>C]AACTGCAATTACTTCTTTATAAATGTTTTGCCTCTCTTCAGCTTCAACTTCAAATATATC-3'

ClinVar aggregate classification (germline): Pathogenic (1 of 4 stars; one submission).

Conditions:
Developmental and epileptic encephalopathy, 53. Also called: Epileptic encephalopathy, early infantile, 53. Identifiers: MedGen C4479313, MONDO:0033362, OMIM 617389.
Early-onset Parkinson disease 20. Also called: PARKINSON DISEASE 20, AUTOSOMAL RECESSIVE EARLY-ONSET. Identifiers: Orphanet 391411, MedGen C3809824, MONDO:0014233, OMIM 615530.

Submission:

Labcorp Genetics (formerly Invitae), Labcorp
Classification: Pathogenic for Developmental and epileptic encephalopathy, 53; Early-onset Parkinson disease 20. Last evaluated: 2024-03-15. Review status: criteria provided, single submitter. Criteria: Invitae Variant Classification Sherloc (09022015). Collection method: clinical testing. Allele origin: germline.
Comment: This sequence change creates a premature translational stop signal (p.Gln928Glyfs*19) in the SYNJ1 gene. It is expected to result in an absent or disrupted protein product. Loss-of-function variants in SYNJ1 are known to be pathogenic (PMID: 25316601, 27435091). This variant is not present in population databases (gnomAD no frequency). This variant has not been reported in the literature in individuals affected with SYNJ1-related conditions. For these reasons, this variant has been classified as Pathogenic.

Literature cited by the submitters: PubMed 25316601; PubMed 27435091.